The following is an entry in ClinVar:

NM_001844.5(COL2A1):c.1527+44C>T

Gene: COL2A1 (collagen type II alpha 1 chain; minus strand). Cytogenetic location: 12q13.11.
Variant type: single nucleotide variant.
Coding change: c.1527+44C>T on transcript NM_001844.5 (MANE Select); 44 bases into the intron after coding-DNA position 1527, C replaced by T.
Molecular consequence: intron variant.
Genome position (GRCh38, 1-based): chr12:47,986,292, G>A on the plus strand (C>T on the coding strand, the complement: COL2A1 is on the minus strand). VCF-style: chr12-47986292-G-A. GRCh37 (hg19) VCF-style: chr12-48380075-G-A.
Other names: c.1320+44C>T (NM_033150.3).
Identifiers: ClinVar variation 678989 (VCV000678989.2), dbSNP rs41317921, ClinGen allele CA6535459.

ClinVar aggregate classification (germline): Likely benign. Review status: criteria provided, multiple submitters, no conflicts (2 of 4 stars). 2 submissions from 2 submitters: Likely benign (2). Last evaluated 2018-06-16.

Allele frequency attached by ClinVar (database versions not stated): gnomAD exomes 0.00318; ExAC 0.00503; gnomAD 0.00944 and 0.01004; ESP Exome Variant Server 0.00954; TOPMed 0.01019; 1000 Genomes Project 0.01038; 1000 Genomes Project 30x 0.01171.
gnomAD v4.1: 4,612 of 1,296,700 alleles (0.36%); highest among the groups gnomAD compares: African/African-American, 2.8%; 40 homozygotes.

Submissions (2):

GeneDx
Classification: Likely benign. Last evaluated: 2018-06-16. Review status: criteria provided, single submitter. Criteria: GeneDx Variant Classification (06012015). Collection method: clinical testing. Allele origin: germline. Affected: yes.
Comment: This variant is considered likely benign or benign based on one or more of the following criteria: it is a conservative change, it occurs at a poorly conserved position in the protein, it is predicted to be benign by multiple in silico algorithms, and/or has population frequency not consistent with disease.

Breakthrough Genomics
Classification: Likely benign. Review status: criteria provided, single submitter. Criteria: ACMG Guidelines, 2015. Collection method: not provided. Allele origin: germline. Inheritance: Autosomal dominant inheritance. Affected: yes.